The following is an entry in ClinVar:

ClinVar aggregate classification (germline): Uncertain significance (1 of 4 stars; one submission).

Conditions:
Nemaline myopathy 2 (NEM2). Also called: Nemaline myopathy 2, autosomal recessive. Identifiers: MedGen C1850569, MONDO:0009725, OMIM 256030.

Allele frequency attached by ClinVar (database versions not stated): gnomAD exomes below 0.00001; gnomAD 0.00001; TOPMed 0.00002.
gnomAD v4.1: 3 of 1,613,766 alleles (0.00019%); highest among the groups gnomAD compares: Admixed American, 0.0033%; no homozygotes.

Submission:

Labcorp Genetics (formerly Invitae), Labcorp
Classification: Uncertain significance for Nemaline myopathy 2. Last evaluated: 2022-03-11. Review status: criteria provided, single submitter. Criteria: Invitae Variant Classification Sherloc (09022015). Collection method: clinical testing. Allele origin: germline.
Comment: This sequence change replaces tyrosine, which is neutral and polar, with histidine, which is basic and polar, at codon 3839 of the NEB protein (p.Tyr3839His). This variant is not present in population databases (gnomAD no frequency). This variant has not been reported in the literature in individuals affected with NEB-related conditions. Algorithms developed to predict the effect of missense changes on protein structure and function are either unavailable or do not agree on the potential impact of this missense change (SIFT: "Deleterious"; PolyPhen-2: "Not Available"; Align-GVGD: "Class C0"). In summary, the available evidence is currently insufficient to determine the role of this variant in disease. Therefore, it has been classified as a Variant of Uncertain Significance.

NM_001164508.2(NEB):c.11515T>C (p.Tyr3839His)

Gene: NEB (nebulin; minus strand). Cytogenetic location: 2q23.3.
Variant type: single nucleotide variant.
Coding change: c.11515T>C on transcript NM_001164508.2 (MANE Select); coding-DNA position 11515, T replaced by C.
Protein change: p.Tyr3839His; replaces tyrosine 3839 with histidine.
Molecular consequence: missense variant.
Genome position (GRCh38, 1-based): chr2:151,614,362, A>G on the plus strand (T>C on the coding strand, the complement: NEB is on the minus strand). VCF-style: chr2-151614362-A-G. GRCh37 (hg19) VCF-style: chr2-152470876-A-G.
Other names: c.11515T>C, p.Tyr3839His (NM_001164507.2, NM_001271208.2); c.10786T>C, p.Tyr3596His (NM_004543.5); short protein forms Y3839H, Y3596H.
Identifiers: ClinVar variation 2151674 (VCV002151674.1), dbSNP rs1255641685, ClinGen allele CA348781416.